The following is an entry in ClinVar:

NM_000127.3(EXT1):c.551_552del (p.Leu183_Trp184insTer)

Gene: EXT1 (exostosin glycosyltransferase 1; minus strand). Cytogenetic location: 8q24.11.
Variant type: Deletion.
Coding change: c.551_552del on transcript NM_000127.3 (MANE Select); coding-DNA positions 551 to 552, 2 bases deleted (GG; older notation c.551_552delGG).
Protein change: p.Leu183_Trp184insTer.
Molecular consequence: nonsense.
Genome position (GRCh38, 1-based): chr8:118,110,495-118,110,496, CC deleted on the plus strand (GG on the coding strand, the reverse complement: EXT1 is on the minus strand). VCF-style (leftmost placement, unchanged base first): chr8-118110494-TCC-T. GRCh37 (hg19) VCF-style: chr8-119122733-TCC-T.
Identifiers: ClinVar variation 2005275 (VCV002005275.4), dbSNP rs2488051618, ClinGen allele CA2580078557.
Genomic context (GRCh38, chr8:118,110,494, plus strand): 5'-CGGTGTAGTCAGGCCAAGTGCCGGAATATAAATTAAAAATTAAATGATTCCTACCATTGT[TCC>T]ACAAGTGGAGACTCTGCACTTTGGATCTCAAATTGTGCACATACTGAGGTGACAACTGGT-3'

ClinVar aggregate classification (germline): Pathogenic (1 of 4 stars; one submission).

Conditions:
Multiple congenital exostosis (EXT). Also called: Hereditary multiple exostoses; Hereditary multiple exostosis; Multiple osteochondromas; Hereditary multiple osteochondromas; Multiple exostoses; MULTIPLE CARTILAGINOUS EXOSTOSES. Identifiers: Orphanet 321, MedGen C0015306, MONDO:0005508, HP:0002762.

Submission:

Labcorp Genetics (formerly Invitae), Labcorp
Classification: Pathogenic for Multiple congenital exostosis. Last evaluated: 2022-08-05. Review status: criteria provided, single submitter. Criteria: Invitae Variant Classification Sherloc (09022015). Collection method: clinical testing. Allele origin: germline.
Comment: For these reasons, this variant has been classified as Pathogenic. This sequence change creates a premature translational stop signal (p.Trp184*) in the EXT1 gene. It is expected to result in an absent or disrupted protein product. Loss-of-function variants in EXT1 are known to be pathogenic (PMID: 10679937, 11391482, 19810120). This variant is not present in population databases (gnomAD no frequency). This premature translational stop signal has been observed in individual(s) with multiple osteochondromas (PMID: 23262345, 23439489).

Literature cited by the submitters: PubMed 10679937; PubMed 11391482; PubMed 19810120; PubMed 23262345; PubMed 23439489.